The following is an entry in ClinVar:

NM_001370466.1(NOD2):c.1198C>T (p.Pro400Ser)

Gene: NOD2 (nucleotide binding oligomerization domain containing 2; plus strand). Cytogenetic location: 16q12.1.
Variant type: single nucleotide variant.
Coding change: c.1198C>T on transcript NM_001370466.1 (MANE Select); coding-DNA position 1198, C replaced by T.
Protein change: p.Pro400Ser; replaces proline 400 with serine.
Molecular consequence: missense variant. On other transcripts: non-coding transcript variant (1).
Genome position (GRCh38, 1-based): chr16:50,711,190, C>T. VCF-style: chr16-50711190-C-T. GRCh37 (hg19) VCF-style: chr16-50745101-C-T.
Other names: c.1198C>T, p.Pro400Ser (NM_001293557.2); c.1279C>T, p.Pro427Ser (NM_022162.3); short protein forms P427S, P400S.
Identifiers: ClinVar variation 531597 (VCV000531597.12), dbSNP rs760982375, ClinGen allele CA8051503.

ClinVar aggregate classification (germline): Uncertain significance (1 of 4 stars; one submission).

Conditions:
Blau syndrome (BLAUS). Also called: ARTHROCUTANEOUVEAL GRANULOMATOSIS; GRANULOMATOSIS, FAMILIAL JUVENILE SYSTEMIC; GRANULOMATOSIS, FAMILIAL, BLAU TYPE; GRANULOMATOUS INFLAMMATORY ARTHRITIS, DERMATITIS, AND UVEITIS, FAMILIAL; JABS SYNDROME. Identifiers: Orphanet 90340, MedGen C5201146, MONDO:0008523, OMIM 186580.
Regional enteritis. Also called: Enteritis, Granulomatous. Identifiers: MedGen C0678202, MeSH D003424.

Allele frequency attached by ClinVar (database versions not stated): ExAC 0.00002; gnomAD 0.00003 and 0.00004; gnomAD exomes 0.00003; TOPMed 0.00006.

Submission:

Labcorp Genetics (formerly Invitae), Labcorp
Classification: Uncertain significance for Regional enteritis; Blau syndrome. Last evaluated: 2025-07-30. Review status: criteria provided, single submitter. Criteria: Invitae Variant Classification Sherloc (09022015). Collection method: clinical testing. Allele origin: germline.
Comment: This sequence change replaces proline, which is neutral and non-polar, with serine, which is neutral and polar, at codon 427 of the NOD2 protein (p.Pro427Ser). This variant is present in population databases (rs760982375, gnomAD 0.01%). This variant has not been reported in the literature in individuals affected with NOD2-related conditions. ClinVar contains an entry for this variant (Variation ID: 531597). Invitae Evidence Modeling of protein sequence and biophysical properties (such as structural, functional, and spatial information, amino acid conservation, physicochemical variation, residue mobility, and thermodynamic stability) has been performed for this missense variant. However, the output from this modeling did not meet the statistical confidence thresholds required to predict the impact of this variant on NOD2 protein function. In summary, the available evidence is currently insufficient to determine the role of this variant in disease. Therefore, it has been classified as a Variant of Uncertain Significance.